The following is an entry in ClinVar:

NM_022489.4(INF2):c.2517G>A (p.Glu839=)

Gene: INF2 (inverted formin 2; plus strand). Cytogenetic location: 14q32.33.
Variant type: single nucleotide variant.
Coding change: c.2517G>A on transcript NM_022489.4 (MANE Select); coding-DNA position 2517, G replaced by A.
Protein change: p.Glu839=; no amino-acid change (glutamic acid 839 retained).
Molecular consequence: synonymous variant.
Genome position (GRCh38, 1-based): chr14:104,712,460, G>A. VCF-style: chr14-104712460-G-A. GRCh37 (hg19) VCF-style: chr14-105178797-G-A.
Other names: c.2517G>A, p.Glu839= (NM_001031714.4).
Identifiers: ClinVar variation 312702 (VCV000312702.18), dbSNP rs561061092, ClinGen allele CA7372969.

ClinVar aggregate classification (germline): Benign/Likely benign. Review status: criteria provided, multiple submitters, no conflicts (2 of 4 stars). 5 submissions from 5 submitters: Benign (3); Likely benign (2). Last evaluated 2024-09-11.

Conditions:
Focal segmental glomerulosclerosis 5 (FSGS5). Identifiers: Orphanet 656, MedGen C2750475, MONDO:0013191, OMIM 613237.
Charcot-Marie-Tooth disease dominant intermediate E. Also called: CHARCOT-MARIE-TOOTH NEUROPATHY WITH FOCAL SEGMENTAL GLOMERULONEPHRITIS. Identifiers: Orphanet 93114, MedGen C4302667, MONDO:0013758, OMIM 614455.
Inborn genetic diseases. Identifiers: MedGen C0950123, MeSH D030342.

Allele frequency attached by ClinVar (database versions not stated): gnomAD below 0.00001 and 0.00002; TOPMed 0.00003; 1000 Genomes Project 30x 0.00031; gnomAD exomes 0.00036; 1000 Genomes Project 0.00040; ExAC 0.00041.
gnomAD v4.1: 244 of 1,612,646 alleles (0.015%); highest among the groups gnomAD compares: South Asian, 0.26%; 2 homozygotes.

Submissions (5):

Labcorp Genetics (formerly Invitae), Labcorp
Classification: Benign for Charcot-Marie-Tooth disease dominant intermediate E; Focal segmental glomerulosclerosis 5. Last evaluated: 2024-09-11. Review status: criteria provided, single submitter. Criteria: Invitae Variant Classification Sherloc (09022015). Collection method: clinical testing. Allele origin: germline.

Blueprint Genetics
Classification: Likely benign. Last evaluated: 2023-07-26. Review status: criteria provided, single submitter. Criteria: ACMG Guidelines, 2015. Collection method: clinical testing. Allele origin: germline.

GeneDx
Classification: Benign. Last evaluated: 2020-12-24. Review status: criteria provided, single submitter. Criteria: GeneDx Variant Classification Process June 2021. Collection method: clinical testing. Allele origin: germline. Affected: yes.

Ambry Genetics
Classification: Likely benign for Inborn genetic diseases. Last evaluated: 2019-07-11. Review status: criteria provided, single submitter. Criteria: Ambry Variant Classification Scheme 2023. Collection method: clinical testing. Allele origin: germline.

Illumina Laboratory Services, Illumina
Classification: Benign for Focal segmental glomerulosclerosis 5. Last evaluated: 2018-01-12. Review status: criteria provided, single submitter. Criteria: ICSL Variant Classification Criteria 13 December 2019. Collection method: clinical testing. Allele origin: germline.
Comment: This variant was observed in the ICSL laboratory as part of a predisposition screen in an ostensibly healthy population. It had not been previously curated by ICSL or reported in the Human Gene Mutation Database (HGMD: prior to June 1st, 2018), and was therefore a candidate for classification through an automated scoring system. Utilizing variant allele frequency, disease prevalence and penetrance estimates, and inheritance mode, an automated score was calculated to assess if this variant is too frequent to cause the disease. Based on the score and internal cut-off values, a variant classified as benign is not then subjected to further curation. The score for this variant resulted in a classification of benign for this disease.